The following is an entry in ClinVar:

ClinVar aggregate classification (germline): Uncertain significance (1 of 4 stars; one submission).

Allele frequency attached by ClinVar (database versions not stated): gnomAD exomes below 0.00001; TOPMed below 0.00001.
gnomAD v4.1: 4 of 1,604,842 alleles (0.00025%); highest among the groups gnomAD compares: Non-Finnish European, 0.00034%; no homozygotes.

Submission:

Labcorp Genetics (formerly Invitae), Labcorp
Classification: Uncertain significance. Last evaluated: 2023-12-19. Review status: criteria provided, single submitter. Criteria: Invitae Variant Classification Sherloc (09022015). Collection method: clinical testing. Allele origin: germline.
Comment: This sequence change replaces glycine, which is neutral and non-polar, with arginine, which is basic and polar, at codon 6 of the PISD protein (p.Gly6Arg). This variant is not present in population databases (gnomAD no frequency). This variant has not been reported in the literature in individuals affected with PISD-related conditions. An algorithm developed to predict the effect of missense changes on protein structure and function (PolyPhen-2) suggests that this variant¬†is likely to be tolerated. In summary, the available evidence is currently insufficient to determine the role of this variant in disease. Therefore, it has been classified as a Variant of Uncertain Significance.

NM_001326411.2(PISD):c.16G>A (p.Gly6Arg)

Genes: PISD (phosphatidylserine decarboxylase; minus strand), LOC126863123 (P300/CBP strongly-dependent group 1 enhancer GRCh37_chr22:32057235-32058434; plus strand). Cytogenetic location: 22q12.2.
Variant type: single nucleotide variant.
Coding change: c.16G>A on transcript NM_001326411.2 (MANE Select); coding-DNA position 16, G replaced by A.
Protein change: p.Gly6Arg; replaces glycine 6 with arginine.
Molecular consequence: missense variant. On other transcripts: 5 prime UTR variant (8).
Genome position (GRCh38, 1-based): chr22:31,662,193, C>T on the plus strand (G>A on the coding strand, the complement: PISD is on the minus strand). VCF-style: chr22-31662193-C-T. GRCh37 (hg19) VCF-style: chr22-32058179-C-T.
Other names: c.16G>A, p.Gly6Arg (NM_001326412.1, NM_001326421.1); c.-134G>A (NM_001326413.2); c.-214G>A (NM_001326414.2); c.-427G>A (NM_001326415.2); c.-616G>A (NM_001326416.2); c.-507G>A (NM_001326417.2, NM_001326419.2); c.-85G>A (NM_001326418.2, NM_001326420.2); short protein forms G6R.
Identifiers: ClinVar variation 2787851 (VCV002787851.1), dbSNP rs2074341524, ClinGen allele CA411298697.